The following is an entry in ClinVar:

ClinVar aggregate classification (germline): Uncertain significance (1 of 4 stars; one submission).

gnomAD v4.1: 1 of 1,209,843 alleles (0.000083%); highest among the groups gnomAD compares: Non-Finnish European, 0.00011%; no homozygotes.

Submission:

Labcorp Genetics (formerly Invitae), Labcorp
Classification: Uncertain significance. Last evaluated: 2024-03-03. Review status: criteria provided, single submitter. Criteria: Invitae Variant Classification Sherloc (09022015). Collection method: clinical testing. Allele origin: germline.
Comment: This sequence change replaces threonine, which is neutral and polar, with alanine, which is neutral and non-polar, at codon 302 of the NEXMIF protein (p.Thr302Ala). This variant is present in population databases (rs766826271, gnomAD 0.001%). This variant has not been reported in the literature in individuals affected with NEXMIF-related conditions. An algorithm developed to predict the effect of missense changes on protein structure and function (PolyPhen-2) suggests that this variant is likely to be disruptive. In summary, the available evidence is currently insufficient to determine the role of this variant in disease. Therefore, it has been classified as a Variant of Uncertain Significance.

NM_001008537.3(NEXMIF):c.904A>G (p.Thr302Ala)

Gene: NEXMIF (neurite extension and migration factor; minus strand). Cytogenetic location: Xq13.3.
Variant type: single nucleotide variant.
Coding change: c.904A>G on transcript NM_001008537.3 (MANE Select); coding-DNA position 904, A replaced by G.
Protein change: p.Thr302Ala; replaces threonine 302 with alanine.
Molecular consequence: missense variant.
Genome position (GRCh38, 1-based): chrX:74,743,653, T>C on the plus strand (A>G on the coding strand, the complement: NEXMIF is on the minus strand). VCF-style: chrX-74743653-T-C. GRCh37 (hg19) VCF-style: chrX-73963488-T-C.
Other names: short protein forms T302A.
Identifiers: ClinVar variation 3703312 (VCV003703312.2).
Genomic context (GRCh38, chrX:74,743,653, plus strand): 5'-GAACATTGTCCTGAAAGGATTCATATCGAATTTTCAGGGAGCAGACATCACTGCCTAGTG[T>C]TGATTCATCATCATCAAACATGTAGTTATCCACATCTTCTTCAGAGAATAGGTTGACAGA-3'
Protein context (NP_001008537.1, residues 292-312): DNYMFDDDES[Thr302Ala]LGSDVCSLKI